The following is an entry in ClinVar:

NM_001868.4(CPA1):c.532A>G (p.Ile178Val)

Gene: CPA1 (carboxypeptidase A1; plus strand). Cytogenetic location: 7q32.2.
Variant type: single nucleotide variant.
Coding change: c.532A>G on transcript NM_001868.4 (MANE Select); coding-DNA position 532, A replaced by G.
Protein change: p.Ile178Val; replaces isoleucine 178 with valine.
Molecular consequence: missense variant.
Genome position (GRCh38, 1-based): chr7:130,383,439, A>G. VCF-style: chr7-130383439-A-G. GRCh37 (hg19) VCF-style: chr7-130023280-A-G.
Other names: short protein forms I178V.
Identifiers: ClinVar variation 3496177 (VCV003496177.1).
Genomic context (GRCh38, chr7:130,383,439, plus strand): 5'-CCTCCTCTCCAGTTCAGCACGGGGGGCAGTAAGCGTCCAGCCATCTGGATCGACACGGGC[A>G]TCCATTCCCGGGAGTGGGTCACCCAGGCCAGTGGGGTCTGGTTTGCAAAGAAGGTAAGGC-3'
Protein context (NP_001859.1, residues 168-188): KRPAIWIDTG[Ile178Val]HSREWVTQAS

ClinVar aggregate classification (germline): Uncertain significance (1 of 4 stars; one submission).

Conditions:
Hereditary pancreatitis (PCTT). Also called: Hereditary chronic pancreatitis; PRSS1-Related Hereditary Pancreatitis. Identifiers: Orphanet 676, MedGen C0238339, MONDO:0008185, OMIM 167800.

Submission:

Ambry Genetics
Classification: Uncertain significance for Hereditary pancreatitis. Last evaluated: 2024-06-25. Review status: criteria provided, single submitter. Criteria: Ambry Variant Classification Scheme 2023. Collection method: clinical testing. Allele origin: germline.
Comment: The p.I178V variant (also known as c.532A>G), located in coding exon 5 of the CPA1 gene, results from an A to G substitution at nucleotide position 532. The isoleucine at codon 178 is replaced by valine, an amino acid with highly similar properties. This amino acid position is conserved. In addition, this alteration is predicted to be tolerated by in silico analysis. Based on the available evidence, the clinical significance of this variant remains unclear.